The following is an entry in ClinVar:

NM_032447.5(FBN3):c.4952G>A (p.Ser1651Asn)

Gene: FBN3 (fibrillin 3; minus strand). Cytogenetic location: 19p13.2.
Variant type: single nucleotide variant.
Coding change: c.4952G>A on transcript NM_032447.5 (MANE Select); coding-DNA position 4952, G replaced by A.
Protein change: p.Ser1651Asn; replaces serine 1651 with asparagine.
Molecular consequence: missense variant.
Genome position (GRCh38, 1-based): chr19:8,102,861, C>T on the plus strand (G>A on the coding strand, the complement: FBN3 is on the minus strand). VCF-style: chr19-8102861-C-T. GRCh37 (hg19) VCF-style: chr19-8167745-C-T.
Other names: c.4952G>A, p.Ser1651Asn (NM_001321431.2); short protein forms S1651N.
Identifiers: ClinVar variation 4691740 (VCV004691740.1).

ClinVar aggregate classification (germline): Uncertain significance (1 of 4 stars; one submission).

gnomAD v4.1: 6 of 1,614,164 alleles (0.00037%); highest among the groups gnomAD compares: South Asian, 0.0011%; no homozygotes.

Submission:

Labcorp Genetics (formerly Invitae), Labcorp
Classification: Uncertain significance. Last evaluated: 2025-11-10. Review status: criteria provided, single submitter. Criteria: Invitae Variant Classification Sherloc (09022015). Collection method: clinical testing. Allele origin: germline.
Comment: This sequence change replaces serine, which is neutral and polar, with asparagine, which is neutral and polar, at codon 1651 of the FBN3 protein (p.Ser1651Asn). This variant is not present in population databases (gnomAD no frequency). This variant has not been reported in the literature in individuals affected with FBN3-related conditions. Invitae Evidence Modeling of protein sequence and biophysical properties (such as structural, functional, and spatial information, amino acid conservation, physicochemical variation, residue mobility, and thermodynamic stability) indicates that this missense variant is expected to disrupt FBN3 protein function with a positive predictive value of 80%. In summary, the available evidence is currently insufficient to determine the role of this variant in disease. Therefore, it has been classified as a Variant of Uncertain Significance.